The following is an entry in ClinVar:

NM_003482.4(KMT2D):c.5083+13G>T

Gene: KMT2D (lysine methyltransferase 2D; minus strand). Cytogenetic location: 12q13.12.
Variant type: single nucleotide variant.
Coding change: c.5083+13G>T on transcript NM_003482.4 (MANE Select); 13 bases into the intron after coding-DNA position 5083, G replaced by T.
Molecular consequence: intron variant.
Genome position (GRCh38, 1-based): chr12:49,044,390, C>A on the plus strand (G>T on the coding strand, the complement: KMT2D is on the minus strand). VCF-style: chr12-49044390-C-A. GRCh37 (hg19) VCF-style: chr12-49438173-C-A.
Identifiers: ClinVar variation 2790468 (VCV002790468.3), dbSNP rs1943690676, ClinGen allele CA2034951532.

ClinVar aggregate classification (germline): Uncertain significance (1 of 4 stars; one submission).

Conditions:
Kabuki syndrome. Also called: NIIKAWA-KUROKI SYNDROME; Kabuki make-up syndrome. Identifiers: Orphanet 2322, MedGen C0796004, MONDO:0016512.

Submission:

Labcorp Genetics (formerly Invitae), Labcorp
Classification: Uncertain significance for Kabuki syndrome. Last evaluated: 2023-01-20. Review status: criteria provided, single submitter. Criteria: Invitae Variant Classification Sherloc (09022015). Collection method: clinical testing. Allele origin: germline.
Comment: In summary, the available evidence is currently insufficient to determine the role of this variant in disease. Therefore, it has been classified as a Variant of Uncertain Significance. Algorithms developed to predict the effect of sequence changes on RNA splicing suggest that this variant may create or strengthen a splice site. This variant has not been reported in the literature in individuals affected with KMT2D-related conditions. This variant is not present in population databases (gnomAD no frequency). This sequence change falls in intron 20 of the KMT2D gene. It does not directly change the encoded amino acid sequence of the KMT2D protein.